The following is an entry in ClinVar:

NM_018713.3(SLC30A10):c.302T>C (p.Val101Ala)

Gene: SLC30A10 (solute carrier family 30 member 10; minus strand). Cytogenetic location: 1q41.
Variant type: single nucleotide variant.
Coding change: c.302T>C on transcript NM_018713.3 (MANE Select); coding-DNA position 302, T replaced by C.
Protein change: p.Val101Ala; replaces valine 101 with alanine.
Molecular consequence: missense variant. On other transcripts: non-coding transcript variant (1), intron variant (1).
Genome position (GRCh38, 1-based): chr1:219,928,139, A>G on the plus strand (T>C on the coding strand, the complement: SLC30A10 is on the minus strand). VCF-style: chr1-219928139-A-G. GRCh37 (hg19) VCF-style: chr1-220101481-A-G.
Other names: c.-412T>C (NM_001416005.1); c.452-1034T>C (NM_001376929.1); c.302T>C (NM_018713.2); short protein forms V101A.
Identifiers: ClinVar variation 1986271 (VCV001986271.5), dbSNP rs377707490, ClinGen allele CA1399332.

ClinVar aggregate classification (germline): Uncertain significance. Review status: criteria provided, multiple submitters, no conflicts (2 of 4 stars). 2 submissions from 2 submitters: Uncertain significance (2). Last evaluated 2025-09-01.

Conditions:
Inborn genetic diseases. Identifiers: MedGen C0950123, MeSH D030342.

Allele frequency attached by ClinVar (database versions not stated): TOPMed 0.00007; gnomAD 0.00009; ExAC 0.00011; ESP Exome Variant Server 0.00016.

Submissions (2):

Ambry Genetics
Classification: Uncertain significance for Inborn genetic diseases. Last evaluated: 2025-09-01. Review status: criteria provided, single submitter. Criteria: Ambry Variant Classification Scheme 2023. Collection method: clinical testing. Allele origin: germline.

Labcorp Genetics (formerly Invitae), Labcorp
Classification: Uncertain significance. Last evaluated: 2022-07-29. Review status: criteria provided, single submitter. Criteria: Invitae Variant Classification Sherloc (09022015). Collection method: clinical testing. Allele origin: germline.
Comment: In summary, the available evidence is currently insufficient to determine the role of this variant in disease. Therefore, it has been classified as a Variant of Uncertain Significance. This sequence change replaces valine, which is neutral and non-polar, with alanine, which is neutral and non-polar, at codon 101 of the SLC30A10 protein (p.Val101Ala). Algorithms developed to predict the effect of missense changes on protein structure and function are either unavailable or do not agree on the potential impact of this missense change (SIFT: "Deleterious"; PolyPhen-2: "Possibly Damaging"; Align-GVGD: "Class C0"). This variant has not been reported in the literature in individuals affected with SLC30A10-related conditions. This variant is present in population databases (rs377707490, gnomAD 0.04%).